The following is an entry in ClinVar:

NM_005430.4(WNT1):c.467G>A (p.Arg156Gln)

Gene: WNT1 (Wnt family member 1; plus strand). Cytogenetic location: 12q13.12.
Variant type: single nucleotide variant.
Coding change: c.467G>A on transcript NM_005430.4 (MANE Select); coding-DNA position 467, G replaced by A.
Protein change: p.Arg156Gln; replaces arginine 156 with glutamine.
Molecular consequence: missense variant.
Genome position (GRCh38, 1-based): chr12:48,980,532, G>A. VCF-style: chr12-48980532-G-A. GRCh37 (hg19) VCF-style: chr12-49374315-G-A.
Other names: short protein forms R156Q.
Identifiers: ClinVar variation 1312474 (VCV001312474.2), dbSNP rs1940995831, ClinGen allele CA384631537.

ClinVar aggregate classification (germline): Uncertain significance (1 of 4 stars; one submission).

Allele frequency attached by ClinVar (database versions not stated): TOPMed below 0.00001; gnomAD 0.00001.

Submission:

GeneDx
Classification: Uncertain significance. Last evaluated: 2019-09-24. Review status: criteria provided, single submitter. Criteria: GeneDx Variant Classification Process June 2021. Collection method: clinical testing. Allele origin: germline. Affected: yes.
Comment: Not observed in large population cohorts (Lek et al., 2016); In silico analysis, which includes protein predictors and evolutionary conservation, supports that this variant does not alter protein structure/function; Has not been previously published as pathogenic or benign to our knowledge